The following is an entry in ClinVar:

NM_017739.4(POMGNT1):c.251G>T (p.Arg84Leu)

Gene: POMGNT1 (protein O-linked mannose N-acetylglucosaminyltransferase 1 (beta 1,2-); minus strand). Cytogenetic location: 1p34.1.
Variant type: single nucleotide variant.
Coding change: c.251G>T on transcript NM_017739.4 (MANE Select); coding-DNA position 251, G replaced by T.
Protein change: p.Arg84Leu; replaces arginine 84 with leucine.
Molecular consequence: missense variant. On other transcripts: 5 prime UTR variant (1).
Genome position (GRCh38, 1-based): chr1:46,196,834, C>A on the plus strand (G>T on the coding strand, the complement: POMGNT1 is on the minus strand). VCF-style: chr1-46196834-C-A. GRCh37 (hg19) VCF-style: chr1-46662506-C-A.
Other names: c.251G>T, p.Arg84Leu (NM_001243766.2, NM_001410783.1); c.185G>T, p.Arg62Leu (NM_001290129.3); c.-179G>T (NM_001290130.2); short protein forms R84L, R62L.
Identifiers: ClinVar variation 471405 (VCV000471405.8), dbSNP rs373866304, ClinGen allele CA21918031.

ClinVar aggregate classification (germline): Uncertain significance. Review status: criteria provided, multiple submitters, no conflicts (2 of 4 stars). 4 submissions from 4 submitters: Uncertain significance (3). 1 of the submissions does not count toward it. Last evaluated 2025-06-10.

Conditions:
Autosomal recessive limb-girdle muscular dystrophy type 2O. Also called: Limb-Girdle Muscular Dystrophy Type 3C; MUSCULAR DYSTROPHY-DYSTROGLYCANOPATHY (LIMB-GIRDLE), TYPE C, 3; MUSCULAR DYSTROPHY-DYSTROGLYCANOPATHY, LIMB-GIRDLE, POMGNT1-RELATED. Identifiers: Orphanet 206564, MedGen C3150417, MONDO:0013161, OMIM 613157.
Muscular dystrophy-dystroglycanopathy (congenital with impaired intellectual development), type B, 3. Also called: Muscular dystrophy-dystroglycanopathy (congenital with intellectual disability), type B3; MUSCULAR DYSTROPHY, CONGENITAL, POMGNT1-RELATED. Identifiers: MedGen C3150412, MONDO:0013155, OMIM 613151.
Inborn genetic diseases. Identifiers: MedGen C0950123, MeSH D030342.
Muscle eye brain disease (MEB). Also called: Santavuori congenital muscular dystrophy. Identifiers: Orphanet 588, Orphanet 899, MedGen C0457133, MONDO:0018939.

Allele frequency attached by ClinVar (database versions not stated): TOPMed 0.00002.
gnomAD v4.1: 87 of 1,614,050 alleles (0.0054%); highest among the groups gnomAD compares: South Asian, 0.0077%; no homozygotes.

Submissions (4):

Ambry Genetics
Classification: Uncertain significance for Inborn genetic diseases. Last evaluated: 2025-06-10. Review status: criteria provided, single submitter. Criteria: Ambry Variant Classification Scheme 2023. Collection method: clinical testing. Allele origin: germline.

Blueprint Genetics
Classification: Uncertain significance. Last evaluated: 2024-07-02. Review status: criteria provided, single submitter. Criteria: ACMG Guidelines, 2015. Collection method: clinical testing. Allele origin: germline.

Labcorp Genetics (formerly Invitae), Labcorp
Classification: Uncertain significance for Autosomal recessive limb-girdle muscular dystrophy type 2O; Muscular dystrophy-dystroglycanopathy (congenital with impaired intellectual development), type B, 3. Last evaluated: 2022-05-21. Review status: criteria provided, single submitter. Criteria: Invitae Variant Classification Sherloc (09022015). Collection method: clinical testing. Allele origin: germline.
Comment: This sequence change replaces arginine, which is basic and polar, with leucine, which is neutral and non-polar, at codon 84 of the POMGNT1 protein (p.Arg84Leu). This variant is present in population databases (rs373866304, gnomAD 0.005%). This variant has not been reported in the literature in individuals affected with POMGNT1-related conditions. ClinVar contains an entry for this variant (Variation ID: 471405). Advanced modeling of protein sequence and biophysical properties (such as structural, functional, and spatial information, amino acid conservation, physicochemical variation, residue mobility, and thermodynamic stability) performed at Invitae indicates that this missense variant is not expected to disrupt POMGNT1 protein function. In summary, the available evidence is currently insufficient to determine the role of this variant in disease. Therefore, it has been classified as a Variant of Uncertain Significance.

Natera, Inc.
Classification: Uncertain significance for Muscle-eye-brain disease. Last evaluated: 2019-10-28. Review status: no assertion criteria provided. Collection method: clinical testing. Allele origin: germline. Not counted in ClinVar's aggregate classification.